The following is an entry in ClinVar:

ClinVar aggregate classification (germline): Uncertain significance. Review status: criteria provided, multiple submitters, no conflicts (2 of 4 stars). 3 submissions from 3 submitters: Uncertain significance (3). Last evaluated 2025-09-04.

gnomAD v4.1: 8 of 1,614,168 alleles (0.0005%); highest among the groups gnomAD compares: Admixed American, 0.0033%; no homozygotes.

Submissions (3):

Labcorp Genetics (formerly Invitae), Labcorp
Classification: Uncertain significance. Last evaluated: 2025-09-04. Review status: criteria provided, single submitter. Criteria: Invitae Variant Classification Sherloc (09022015). Collection method: clinical testing. Allele origin: germline.
Comment: This sequence change replaces alanine, which is neutral and non-polar, with glycine, which is neutral and non-polar, at codon 862 of the ADCY10 protein (p.Ala862Gly). This variant is present in population databases (rs769970851, gnomAD 0.009%). This variant has not been reported in the literature in individuals affected with ADCY10-related conditions. ClinVar contains an entry for this variant (Variation ID: 2690845). An algorithm developed to predict the effect of missense changes on protein structure and function (PolyPhen-2) suggests that this variant is likely to be disruptive. In summary, the available evidence is currently insufficient to determine the role of this variant in disease. Therefore, it has been classified as a Variant of Uncertain Significance.

Ambry Genetics
Classification: Uncertain significance. Last evaluated: 2024-12-12. Review status: criteria provided, single submitter. Criteria: Ambry Variant Classification Scheme 2023. Collection method: clinical testing. Allele origin: germline.

Revvity Omics, Revvity
Classification: Uncertain significance. Last evaluated: 2022-06-18. Review status: criteria provided, single submitter. Criteria: ACMG Guidelines, 2015. Collection method: clinical testing. Allele origin: germline.

NM_018417.6(ADCY10):c.2585C>G (p.Ala862Gly)

Gene: ADCY10 (adenylate cyclase 10; minus strand). Cytogenetic location: 1q24.2.
Variant type: single nucleotide variant.
Coding change: c.2585C>G on transcript NM_018417.6 (MANE Select); coding-DNA position 2585, C replaced by G.
Protein change: p.Ala862Gly; replaces alanine 862 with glycine.
Molecular consequence: missense variant.
Genome position (GRCh38, 1-based): chr1:167,846,116, G>C on the plus strand (C>G on the coding strand, the complement: ADCY10 is on the minus strand). VCF-style: chr1-167846116-G-C. GRCh37 (hg19) VCF-style: chr1-167815354-G-C.
Other names: c.2126C>G, p.Ala709Gly (NM_001167749.3); c.2309C>G, p.Ala770Gly (NM_001297772.2); c.2585C>G (NM_018417.4); short protein forms A709G, A770G, A862G.
Identifiers: ClinVar variation 2690845 (VCV002690845.6), dbSNP rs769970851, ClinGen allele CA1227600.
Genomic context (GRCh38, chr1:167,846,116, plus strand): 5'-GCCTTTTGAAGCTCCTTGCCATTCCGGAAACAATAAAAAATGTTAGATTCCACTAGGGTT[G>C]CCAGGGTCTTGATCATCATCTTCATATTCCAACAGGGGAGAATCTCAAACAACAACTCAG-3'
Protein context (NP_060887.2, residues 852-872): WNMKMMIKTL[Ala862Gly]TLVESNIFYC